The following is an entry in ClinVar:

NM_003334.4(UBA1):c.118-2A>C

Genes: UBA1 (ubiquitin like modifier activating enzyme 1; plus strand), LOC126863253 (CDK7 strongly-dependent group 2 enhancer GRCh37_chrX:47057593-47058792; plus strand). Cytogenetic location: Xp11.3.
Variant type: single nucleotide variant.
Coding change: c.118-2A>C on transcript NM_003334.4 (MANE Select); the canonical splice acceptor site of the intron before coding-DNA position 118, A replaced by C.
Molecular consequence: splice acceptor variant.
Genome position (GRCh38, 1-based): chrX:47,199,046, A>C. VCF-style: chrX-47199046-A-C. GRCh37 (hg19) VCF-style: chrX-47058445-A-C.
Other names: c.118-2A>C (NM_153280.3).
Identifiers: ClinVar variation 1436581 (VCV001436581.8), dbSNP rs2147250283, ClinGen allele CA412786612.

ClinVar aggregate classification (germline): Uncertain significance (1 of 4 stars; one submission).

Conditions:
Infantile-onset X-linked spinal muscular atrophy. Also called: AMC, DISTAL, X-LINKED; ARTHROGRYPOSIS, X-LINKED, TYPE I; Spinal muscular atrophy, X-linked 2; Spinal Muscular Atrophy, X-Linked Infantile; SPINAL MUSCULAR ATROPHY, X-LINKED LETHAL INFANTILE. Identifiers: Orphanet 1145, MedGen C1844934, MONDO:0010532, OMIM 301830.

Submission:

Labcorp Genetics (formerly Invitae), Labcorp
Classification: Uncertain significance for Infantile-onset X-linked spinal muscular atrophy. Last evaluated: 2021-05-09. Review status: criteria provided, single submitter. Criteria: Invitae Variant Classification Sherloc (09022015). Collection method: clinical testing. Allele origin: germline.
Comment: Algorithms developed to predict the effect of sequence changes on RNA splicing suggest that this variant may disrupt the consensus splice site, but this prediction has not been confirmed by published transcriptional studies. In summary, the available evidence is currently insufficient to determine the role of this variant in disease. Therefore, it has been classified as a Variant of Uncertain Significance. This variant has not been reported in the literature in individuals with UBA1-related conditions. This variant is not present in population databases (ExAC no frequency). This sequence change affects an acceptor splice site in intron 2 of the UBA1 gene. It is expected to disrupt RNA splicing. Variants that disrupt the donor or acceptor splice site typically lead to a loss of protein function (PMID: 16199547), however the current clinical and genetic evidence is not sufficient to establish whether loss-of-function variants in UBA1 cause disease.

Literature cited by the submitters: PubMed 16199547.